The following is an entry in ClinVar:

ClinVar aggregate classification (germline): Uncertain significance (1 of 4 stars; one submission).

Submission:

GeneDx
Classification: Uncertain significance. Last evaluated: 2023-06-08. Review status: criteria provided, single submitter. Criteria: GeneDx Variant Classification Process June 2021. Collection method: clinical testing. Allele origin: germline. Affected: yes.
Comment: Not observed at significant frequency in large population cohorts (gnomAD); In silico analysis supports that this missense variant has a deleterious effect on protein structure/function; Has not been previously published as pathogenic or benign to our knowledge

NM_012309.5(SHANK2):c.1933A>G (p.Lys645Glu)

Gene: SHANK2 (SH3 and multiple ankyrin repeat domains 2; minus strand). Cytogenetic location: 11q13.4.
Variant type: single nucleotide variant.
Coding change: c.1933A>G on transcript NM_012309.5 (MANE Select); coding-DNA position 1933, A replaced by G.
Protein change: p.Lys645Glu; replaces lysine 645 with glutamic acid.
Molecular consequence: missense variant. On other transcripts: non-coding transcript variant (1).
Genome position (GRCh38, 1-based): chr11:70,661,599, T>C on the plus strand (A>G on the coding strand, the complement: SHANK2 is on the minus strand). VCF-style: chr11-70661599-T-C. GRCh37 (hg19) VCF-style: chr11-70507704-T-C.
Other names: c.796A>G, p.Lys266Glu (NM_001379226.1); c.169A>G, p.Lys57Glu (NM_133266.5); short protein forms K266E, K57E, K645E.
Identifiers: ClinVar variation 3359521 (VCV003359521.1).